The following is an entry in ClinVar:

NM_025137.4(SPG11):c.2571G>T (p.Trp857Cys)

Gene: SPG11 (SPG11 vesicle trafficking associated, spatacsin; minus strand). Cytogenetic location: 15q21.1.
Variant type: single nucleotide variant.
Coding change: c.2571G>T on transcript NM_025137.4 (MANE Select); coding-DNA position 2571, G replaced by T.
Protein change: p.Trp857Cys; replaces tryptophan 857 with cysteine.
Molecular consequence: missense variant.
Genome position (GRCh38, 1-based): chr15:44,621,808, C>A on the plus strand (G>T on the coding strand, the complement: SPG11 is on the minus strand). VCF-style: chr15-44621808-C-A. GRCh37 (hg19) VCF-style: chr15-44914006-C-A.
Other names: c.2571G>T, p.Trp857Cys (NM_001160227.2); short protein forms W857C.
Identifiers: ClinVar variation 567595 (VCV000567595.8), dbSNP rs200542854, ClinGen allele CA270073918.

ClinVar aggregate classification (germline): Uncertain significance. Review status: criteria provided, multiple submitters, no conflicts (2 of 4 stars). 2 submissions from 2 submitters: Uncertain significance (2). Last evaluated 2025-03-25.

Conditions:
Hereditary spastic paraplegia 11. Also called: Spastic Paraplegia 11; SPASTIC PARAPLEGIA, AUTOSOMAL RECESSIVE, COMPLICATED, WITH THIN CORPUS CALLOSUM; SPASTIC PARAPLEGIA, AUTOSOMAL RECESSIVE, WITH MENTAL IMPAIRMENT AND THIN CORPUS CALLOSUM; Nakamura Osame syndrome; Autosomal recessive hereditary spastic paraplegia, mental impairment, and thin corpus callosum; Spastic paraplegia, mental retardation and thin corpus callosum. Identifiers: Orphanet 2822, MedGen C1858479, MONDO:0011445, OMIM 604360.
Inborn genetic diseases. Identifiers: MedGen C0950123, MeSH D030342.

Allele frequency attached by ClinVar (database versions not stated): gnomAD exomes below 0.00001 and 0.00002; TOPMed below 0.00001; gnomAD 0.00001; ESP Exome Variant Server 0.00008.
gnomAD v4.1: 28 of 1,613,656 alleles (0.0017%); highest among the groups gnomAD compares: Non-Finnish European, 0.0024%; no homozygotes.

Submissions (2):

Ambry Genetics
Classification: Uncertain significance for Inborn genetic diseases. Last evaluated: 2025-03-25. Review status: criteria provided, single submitter. Criteria: Ambry Variant Classification Scheme 2023. Collection method: clinical testing. Allele origin: germline.

Labcorp Genetics (formerly Invitae), Labcorp
Classification: Uncertain significance for Hereditary spastic paraplegia 11. Last evaluated: 2024-07-29. Review status: criteria provided, single submitter. Criteria: Invitae Variant Classification Sherloc (09022015). Collection method: clinical testing. Allele origin: germline.
Comment: This sequence change replaces tryptophan, which is neutral and slightly polar, with cysteine, which is neutral and slightly polar, at codon 857 of the SPG11 protein (p.Trp857Cys). This variant is present in population databases (rs200542854, gnomAD 0.0009%). This variant has not been reported in the literature in individuals affected with SPG11-related conditions. ClinVar contains an entry for this variant (Variation ID: 567595). Advanced modeling of protein sequence and biophysical properties (such as structural, functional, and spatial information, amino acid conservation, physicochemical variation, residue mobility, and thermodynamic stability) performed at Invitae indicates that this missense variant is expected to disrupt SPG11 protein function with a positive predictive value of 80%. In summary, the available evidence is currently insufficient to determine the role of this variant in disease. Therefore, it has been classified as a Variant of Uncertain Significance.